The following is an entry in ClinVar:

NM_000443.4(ABCB4):c.2541_2543del (p.Ile848del)

Gene: ABCB4 (ATP binding cassette subfamily B member 4; minus strand). Cytogenetic location: 7q21.12.
Variant type: Deletion.
Coding change: c.2541_2543del on transcript NM_000443.4 (MANE Select); coding-DNA positions 2541 to 2543, 3 bases deleted (CAT; older notation c.2541_2543delCAT).
Protein change: p.Ile848del; deletes isoleucine 848.
Molecular consequence: inframe deletion.
Genome position (GRCh38, 1-based): chr7:87,417,451-87,417,453, ATG deleted on the plus strand (CAT on the coding strand, the reverse complement: ABCB4 is on the minus strand); deleting any 3 consecutive bases within chr7:87,417,451-87,417,455 gives the same sequence; the c. name uses the placement nearest the transcript's 3' end. VCF-style (leftmost placement, unchanged base first): chr7-87417450-TATG-T. GRCh37 (hg19) VCF-style: chr7-87046766-TATG-T.
Other names: c.2541_2543del, p.Ile848del (NM_018849.3, NM_018850.3); short protein forms I848del.
Identifiers: ClinVar variation 3346148 (VCV003346148.1).

ClinVar aggregate classification (germline): Uncertain significance (0 of 4 stars; one submission).

Conditions:
ABCB4-related disorder. Also called: ABCB4-related disorders; ABCB4-related condition.

Submission:

PreventionGenetics, part of Exact Sciences
Classification: Uncertain significance for ABCB4-related condition. Last evaluated: 2024-09-05. Review status: no assertion criteria provided. Collection method: clinical testing. Allele origin: germline.
Comment: The ABCB4 c.2541_2543delCAT variant is predicted to result in an in-frame deletion (p.Ile848del). To our knowledge, this variant has not been reported in the literature or in a large population database, indicating this variant is rare. At this time, the clinical significance of this variant is uncertain due to the absence of conclusive functional and genetic evidence.